The following is an entry in ClinVar:

ClinVar aggregate classification (germline): Pathogenic (1 of 4 stars; one submission).

Conditions:
Immunodeficiency-centromeric instability-facial anomalies syndrome 2 (ICF2). Identifiers: Orphanet 2268, MedGen C3279748, MONDO:0013553, OMIM 614069.

Submission:

Labcorp Genetics (formerly Invitae), Labcorp
Classification: Pathogenic for Immunodeficiency-centromeric instability-facial anomalies syndrome 2. Last evaluated: 2023-02-27. Review status: criteria provided, single submitter. Criteria: Invitae Variant Classification Sherloc (09022015). Collection method: clinical testing. Allele origin: germline.
Comment: This sequence change creates a premature translational stop signal (p.Leu425Thrfs*75) in the ZBTB24 gene. While this is not anticipated to result in nonsense mediated decay, it is expected to disrupt the last 273 amino acid(s) of the ZBTB24 protein. This variant is not present in population databases (gnomAD no frequency). This variant has not been reported in the literature in individuals affected with ZBTB24-related conditions. This variant disrupts a region of the ZBTB24 protein in which other variant(s) (p.Gln498Valfs*15) have been determined to be pathogenic (PMID: 29023266, 30511102, 31130284). This suggests that this is a clinically significant region of the protein, and that variants that disrupt it are likely to be disease-causing. For these reasons, this variant has been classified as Pathogenic.

Literature cited by the submitters: PubMed 29023266; PubMed 30511102; PubMed 31130284.

NM_014797.3(ZBTB24):c.1272_1281del (p.Leu425fs)

Gene: ZBTB24 (zinc finger and BTB domain containing 24; minus strand). Cytogenetic location: 6q21.
Variant type: Deletion.
Coding change: c.1272_1281del on transcript NM_014797.3 (MANE Select); coding-DNA positions 1272 to 1281, 10 bases deleted (TCTGCGAACA; older notation c.1272_1281delTCTGCGAACA).
Protein change: p.Leu425fs; shifts the reading frame from leucine 425.
Molecular consequence: frameshift variant.
Genome position (GRCh38, 1-based): chr6:109,475,406-109,475,415, TGTTCGCAGA deleted on the plus strand (TCTGCGAACA on the coding strand, the reverse complement: ZBTB24 is on the minus strand); deleting any 10 consecutive bases within chr6:109,475,406-109,475,419 gives the same sequence; the c. name uses the placement nearest the transcript's 3' end. VCF-style (leftmost placement, unchanged base first): chr6-109475405-GTGTTCGCAGA-G. GRCh37 (hg19) VCF-style: chr6-109796608-GTGTTCGCAGA-G.
Other names: short protein forms L425fs.
Identifiers: ClinVar variation 2841373 (VCV002841373.3), dbSNP rs2482868678, ClinGen allele CA2739265934.